The following is an entry in ClinVar:

ClinVar aggregate classification (germline): Pathogenic; drug response. Review status: reviewed by expert panel (3 of 4 stars). 41 submissions from 35 submitters: Pathogenic (1). 33 of the submissions do not count toward it. Last evaluated 2021-03-24.

Conditions:
Congenital myopathy with fiber type disproportion. Also called: Congenital fiber-type disproportion; Congenital fiber-type disproportion myopathy. Identifiers: Orphanet 2020, MedGen C0546264, MONDO:0009711. Inheritance: all.
Central core myopathy (CMYO1A). Also called: CONGENITAL MYOPATHY 1A, AUTOSOMAL DOMINANT, WITH SUSCEPTIBILITY TO MALIGNANT HYPERTHERMIA; Central core disease; Myopathy, central fibrillar. Identifiers: Orphanet 597, MedGen C5830701, MONDO:0007294, OMIM 117000.
King Denborough syndrome (KDS). Identifiers: MedGen C1840365, MONDO:0020485, OMIM 619542.
Congenital multicore myopathy with external ophthalmoplegia (CMYO1B). Also called: Minicore myopathy with external ophthalmoplegia; Congenital myopathy 1B, autosomal recessive; Minicore myopathy; MULTICORE MYOPATHY; MULTIMINICORE DISEASE WITH EXTERNAL OPHTHALMOPLEGIA. Identifiers: Orphanet 598, Orphanet 98905, MedGen C1850674, MONDO:0009712, OMIM 255320, HP:0003789.
Malignant hyperthermia, susceptibility to, 1 (MHS1). Also called: RYR1-Related Malignant Hyperthermia Susceptibility; Malignant hyperthermia suceptibility 1; Anesthesia related hyperthermia; Malignant hyperpyrexia; Fulminating hyperpyrexia; Pharmacogenic myopathy. Identifiers: Orphanet 423, MedGen C2930980, MONDO:0007783, OMIM 145600.
RYR1-related disorder. Also called: RYR1-related disorders; RYR1-related condition. Identifiers: MedGen CN239331.
Inborn genetic diseases. Identifiers: MedGen C0950123, MeSH D030342.
Malignant hyperthermia of anesthesia. Also called: Anesthesic-triggered malignant hyperthermia. Identifiers: Orphanet 423, MedGen C0024591, MONDO:0018493, HP:0034733.
succinylcholine response - Toxicity.
sevoflurane response - Toxicity.
methoxyflurane response - Toxicity.
isoflurane response - Toxicity.
enflurane response - Toxicity.
halothane response - Toxicity.
desflurane response - Toxicity.

Allele frequency attached by ClinVar (database versions not stated): gnomAD 0.00011; 1000 Genomes Project 30x 0.00031; ESP Exome Variant Server 0.00008; gnomAD exomes 0.00009; TOPMed 0.00007; ExAC 0.00008; 1000 Genomes Project 0.00020.
gnomAD v4.1: 118 of 1,614,054 alleles (0.0073%); highest among the groups gnomAD compares: Non-Finnish European, 0.0088%; no homozygotes.

Submissions 1 to 11 of 41:

ClinPGx
Classification: drug response for desflurane response - Toxicity. Last evaluated: 2021-03-24. Review status: reviewed by expert panel. Criteria: Pharmacogenomics knowledge for personalized medicine. Collection method: curation. Allele origin: germline. Affected: yes.
Comment: PharmGKB Level of Evidence 1A: Level 1A clinical annotations describe variant-drug combinations that have variant-specific prescribing guidance available in a current clinical guideline annotation or an FDA-approved drug label annotation. Annotations of drug labels or clinical guidelines must give prescribing guidance for specific variants (e.g. CYP2C9*3, HLA-B*57:01) or provide mapping from defined allele functions to diplotypes and phenotypes to be used as supporting evidence for a level 1A clinical annotation. Level 1A clinical annotations must also be supported by at least one publication in addition to a clinical guideline or drug label with variant-specific prescribing guidance.

Drug is not necessarily used to treat response condition

ClinPGx
Classification: drug response for enflurane response - Toxicity. Last evaluated: 2021-03-24. Review status: reviewed by expert panel. Criteria: Pharmacogenomics knowledge for personalized medicine. Collection method: curation. Allele origin: germline. Affected: yes.
Comment: the same text as in the submission from ClinPGx above.

ClinPGx
Classification: drug response for halothane response - Toxicity. Last evaluated: 2021-03-24. Review status: reviewed by expert panel. Criteria: Pharmacogenomics knowledge for personalized medicine. Collection method: curation. Allele origin: germline. Affected: yes.
Comment: the same text as in the submission from ClinPGx above.

ClinPGx
Classification: drug response for isoflurane response - Toxicity. Last evaluated: 2021-03-24. Review status: reviewed by expert panel. Criteria: Pharmacogenomics knowledge for personalized medicine. Collection method: curation. Allele origin: germline. Affected: yes.
Comment: the same text as in the submission from ClinPGx above.

ClinPGx
Classification: drug response for methoxyflurane response - Toxicity. Last evaluated: 2021-03-24. Review status: reviewed by expert panel. Criteria: Pharmacogenomics knowledge for personalized medicine. Collection method: curation. Allele origin: germline. Affected: yes.
Comment: the same text as in the submission from ClinPGx above.

ClinPGx
Classification: drug response for sevoflurane response - Toxicity. Last evaluated: 2021-03-24. Review status: reviewed by expert panel. Criteria: Pharmacogenomics knowledge for personalized medicine. Collection method: curation. Allele origin: germline. Affected: yes.
Comment: the same text as in the submission from ClinPGx above.

ClinPGx
Classification: drug response for succinylcholine response - Toxicity. Last evaluated: 2021-03-24. Review status: reviewed by expert panel. Criteria: Pharmacogenomics knowledge for personalized medicine. Collection method: curation. Allele origin: germline. Affected: yes.
Comment: the same text as in the submission from ClinPGx above.

ClinGen Malignant Hyperthermia Susceptibility Variant Curation Expert Panel, ClinGen
Classification: Pathogenic for Malignant hyperthermia, susceptibility to, 1. Last evaluated: 2021-03-17. Review status: reviewed by expert panel. Criteria: ClinGen MHS ACMG Specifications V1. Collection method: curation. Allele origin: germline. Inheritance: Autosomal dominant inheritance. Study: ClinGen.
Comment: This pathogenicity assessment is relevant only for malignant hyperthermia susceptibility (MHS) inherited in an autosomal dominant pattern. Variants in RYR1 can also cause other myopathies inherited in an autosomal dominant pattern or in an autosomal recessive pattern. Some of these disorders may predispose individuals to malignant hyperthermia. RYR1 variants may also contribute to a malignant hyperthermia reaction in combination with other genetic and non-genetic factors and the clinician needs to consider such factors in making management decisions. This sequence variant predicts a substitution of Arginine with Cysteine at codon 614 of the RYR1 protein, p.(Arg614Cys). The maximum allele frequency for this variant among the six major gnomAD populations is NFE: 0.00019, a frequency consistent with pathogenicity for MHS. This variant has been reported in over 100 unrelated individuals who have a personal or family history of a malignant hyperthermia reaction, over 100 of these individuals had a positive in vitro contracture test (IVCT) or caffeine halothane contracture test (CHCT) result (if the proband was unavailable for testing, a positive diagnostic test result in a mutation-positive relative was counted), PS4 (PMID:24433488, PMID:16163667, PMID:30236257, and others). This variant has been identified in an individual with negative IVCT/CHCT results, BS2_Moderate (PMID:10484775). Functional studies in HEK293 cells show an increased sensitivity to RYR1 agonists, PS3_Moderate (PMID:26115329). This variant does not reside in a hotspot for pathogenic variants that contribute to MHS (PMID: 21118704). Another variant that has been assessed as pathogenic occurs at this codon, p.(Arg614Leu), PM5 (PMID:16917943). p.(Arg614Cys) segregates with MHS in 38 individuals PP1_Strong, (PMID:25960145, PMID:7586638, PMID:11493496 and others). A REVEL score >0.85 supports a pathogenic status for this variant, PP3_Moderate. Criteria implemented: PS3_Moderate, PS4, PM5, PP1_Strong, PP3_Moderate, BS2_Moderate. Based on using Bayes to combine criteria this variant is assessed as Pathogenic, (PMID: 29300386).

CeGaT Center for Human Genetics Tuebingen
Classification: Pathogenic. Last evaluated: 2026-08-01. Review status: criteria provided, single submitter. Criteria: CeGaT Center For Human Genetics Tuebingen Variant Classification Criteria Version 2. Collection method: clinical testing. Allele origin: germline. Affected: yes. Observed: 23 variant alleles. Not counted in ClinVar's aggregate classification.
Comment: RYR1: PP1:Strong, PS3, PS4, PM5, PP3

Labcorp Genetics (formerly Invitae), Labcorp
Classification: Pathogenic for RYR1-related disorder. Last evaluated: 2026-02-01. Review status: criteria provided, single submitter. Criteria: Invitae Variant Classification Sherloc (09022015). Collection method: clinical testing. Allele origin: germline. Not counted in ClinVar's aggregate classification.
Comment: This sequence change replaces arginine, which is basic and polar, with cysteine, which is neutral and slightly polar, at codon 614 of the RYR1 protein (p.Arg614Cys). This variant is present in population databases (rs118192172, gnomAD 0.02%). This missense change has been observed in individuals with autosomal dominant malignant hyperthermia (PMID: 1774074, 8602662, 10352931, 11493496, 11668625, 12411788, 19648156, 21455645, 21795085, 23842196). It has also been observed to segregate with disease in related individuals. ClinVar contains an entry for this variant (Variation ID: 12964). Invitae Evidence Modeling of protein sequence and biophysical properties (such as structural, functional, and spatial information, amino acid conservation, physicochemical variation, residue mobility, and thermodynamic stability) indicates that this missense variant is expected to disrupt RYR1 protein function with a positive predictive value of 95%. Experimental studies have shown that this missense change affects RYR1 function (PMID: 9334205, 11668625, 12732639). For these reasons, this variant has been classified as Pathogenic.

Institute of Human Genetics, University of Leipzig Medical Center
Classification: Pathogenic for Malignant hyperthermia, susceptibility to, 1. Last evaluated: 2026-01-08. Review status: criteria provided, single submitter. Criteria: ACMG Guidelines, 2015. Collection method: clinical testing. Allele origin: unknown. Inheritance: Autosomal dominant inheritance. Affected: yes. Not counted in ClinVar's aggregate classification.
Comment: Criteria applied: PS4,PP1_STR,PS3_MOD,PM5,PP3_MOD,BS2_MOD

NM_000540.3(RYR1):c.1840C>T (p.Arg614Cys)

Gene: RYR1 (ryanodine receptor 1; plus strand). Cytogenetic location: 19q13.2.
Variant type: single nucleotide variant.
Coding change: c.1840C>T on transcript NM_000540.3 (MANE Select); coding-DNA position 1840, C replaced by T.
Protein change: p.Arg614Cys; replaces arginine 614 with cysteine.
Molecular consequence: missense variant.
Genome position (GRCh38, 1-based): chr19:38,457,545, C>T. VCF-style: chr19-38457545-C-T. GRCh37 (hg19) VCF-style: chr19-38948185-C-T.
Other names: NM_000540.3(RYR1):c.1840C>T; c.1840C>T, p.Arg614Cys (NM_001042723.2); short protein forms R614C.
Identifiers: ClinVar variation 12964 (VCV000012964.93), dbSNP rs118192172, ClinGen allele CA024311.
Genomic context (GRCh38, chr19:38,457,545, plus strand): 5'-CTTGACCTCTAGGTCCTGGACGTGCTATGCTCCCTGTGTGTGTGTAATGGTGTGGCTGTA[C>T]GCTCCAACCAAGATCTTATTACTGAGAACTTGCTGCCTGGCCGTGAGCTTCTGCTGCAGA-3'
Protein context (NP_000531.2, residues 604-624): SLCVCNGVAV[Arg614Cys]SNQDLITENL